The following is an entry in ClinVar:

ClinVar aggregate classification (germline): Uncertain significance. Review status: criteria provided, multiple submitters, no conflicts (2 of 4 stars). 4 submissions from 4 submitters: Uncertain significance (4). Last evaluated 2026-01-06.

Conditions:
Cardiovascular phenotype. Identifiers: MedGen CN230736.
X-linked Emery-Dreifuss muscular dystrophy. Also called: Muscular dystrophy, tardive Emery-Dreifuss type, with contractures. Identifiers: Orphanet 261, Orphanet 98863, MedGen C0751337, MONDO:0010680.

Submissions (4):

Labcorp Genetics (formerly Invitae), Labcorp
Classification: Uncertain significance for X-linked Emery-Dreifuss muscular dystrophy. Last evaluated: 2026-01-06. Review status: criteria provided, single submitter. Criteria: Invitae Variant Classification Sherloc (09022015). Collection method: clinical testing. Allele origin: germline.
Comment: This sequence change replaces glycine, which is neutral and non-polar, with arginine, which is basic and polar, at codon 24 of the EMD protein (p.Gly24Arg). This variant is not present in population databases (gnomAD no frequency). This variant has not been reported in the literature in individuals affected with EMD-related conditions. ClinVar contains an entry for this variant (Variation ID: 179103). Invitae Evidence Modeling of protein sequence and biophysical properties (such as structural, functional, and spatial information, amino acid conservation, physicochemical variation, residue mobility, and thermodynamic stability) indicates that this missense variant is expected to disrupt EMD protein function with a positive predictive value of 80%. In summary, the available evidence is currently insufficient to determine the role of this variant in disease. Therefore, it has been classified as a Variant of Uncertain Significance.

Ambry Genetics
Classification: Uncertain significance for Cardiovascular phenotype. Last evaluated: 2025-11-17. Review status: criteria provided, single submitter. Criteria: Ambry Variant Classification Scheme 2023. Collection method: clinical testing. Allele origin: germline.
Comment: The p.G24R variant (also known as c.70G>A), located in coding exon 1 of the EMD gene, results from a G to A substitution at nucleotide position 70. The glycine at codon 24 is replaced by arginine, an amino acid with dissimilar properties. This amino acid position is highly conserved in available vertebrate species. In addition, this alteration is predicted to be deleterious by in silico analysis. Based on the available evidence, the clinical significance of this variant remains unclear.

GeneDx
Classification: Uncertain significance. Last evaluated: 2021-01-11. Review status: criteria provided, single submitter. Criteria: GeneDx Variant Classification Process June 2021. Collection method: clinical testing. Allele origin: germline. Affected: yes.
Comment: Has not been previously published as pathogenic or benign to our knowledge; Reported in ClinVar as a variant of uncertain significance (ClinVar Variant ID #179103; Landrum et al., 2016); Not observed in large population cohorts (Lek et al., 2016); In silico analysis supports that this missense variant has a deleterious effect on protein structure/function; Missense variants in this gene are often considered pathogenic (Stenson et al., 2014)

Laboratory for Molecular Medicine, Mass General Brigham Personalized Medicine
Classification: Uncertain significance. Last evaluated: 2013-07-29. Review status: criteria provided, single submitter. Criteria: LMM Criteria. Collection method: clinical testing. Allele origin: germline. Observed: 1 variant allele.
Comment: The Gly24Arg variant in EMD has not been reported in individuals with cardiomyop athy. Data from large population studies is insufficient to assess the frequency of this variant. Computational analyses (biochemical amino acid properties, con servation, AlignGVGD, PolyPhen2, and SIFT) do not provide strong support for or against an impact to the protein. Additional information is needed to fully asse ss the clinical significance of the Gly24Arg variant.

NM_000117.3(EMD):c.70G>A (p.Gly24Arg)

Gene: EMD (emerin; plus strand). Cytogenetic location: Xq28.
Variant type: single nucleotide variant.
Coding change: c.70G>A on transcript NM_000117.3 (MANE Select); coding-DNA position 70, G replaced by A.
Protein change: p.Gly24Arg; replaces glycine 24 with arginine.
Molecular consequence: missense variant.
Genome position (GRCh38, 1-based): chrX:154,379,554, G>A. VCF-style: chrX-154379554-G-A. GRCh37 (hg19) VCF-style: chrX-153607914-G-A.
Other names: short protein forms G24R.
Identifiers: ClinVar variation 179103 (VCV000179103.18), dbSNP rs727504628, ClinGen allele CA183740.